The following is an entry in ClinVar:

NM_001161748.2(LIM2):c.128G>A (p.Trp43Ter)

Genes: LIM2 (lens intrinsic membrane protein 2; minus strand), LIM2-AS1 (LIM2 and SIGLEC10 antisense RNA 1; plus strand). Cytogenetic location: 19q13.41.
Variant type: single nucleotide variant.
Coding change: c.128G>A on transcript NM_001161748.2 (MANE Select); coding-DNA position 128, G replaced by A.
Protein change: p.Trp43Ter; replaces tryptophan 43 with a stop codon.
Molecular consequence: nonsense.
Genome position (GRCh38, 1-based): chr19:51,387,316, C>T on the plus strand (G>A on the coding strand, the complement: LIM2 is on the minus strand). VCF-style: chr19-51387316-C-T. GRCh37 (hg19) VCF-style: chr19-51890570-C-T.
Other names: c.128G>A, p.Trp43Ter (NM_030657.4); short protein forms W43*.
Identifiers: ClinVar variation 4076864 (VCV004076864.1).

ClinVar aggregate classification (germline): Uncertain significance (1 of 4 stars; one submission).

Submission:

GeneDx
Classification: Uncertain significance. Last evaluated: 2025-02-20. Review status: criteria provided, single submitter. Criteria: GeneDx Variant Classification Process June 2021. Collection method: clinical testing. Allele origin: germline. Affected: yes.
Comment: Nonsense variant predicted to result in protein truncation or nonsense mediated decay in a gene for which loss-of-function is not an established mechanism of disease; Has not been previously published as pathogenic or benign to our knowledge